The following is an entry in ClinVar:

NM_001042492.3(NF1):c.7550G>C (p.Arg2517Pro)

Gene: NF1 (neurofibromin 1; plus strand). Cytogenetic location: 17q11.2.
Variant type: single nucleotide variant.
Coding change: c.7550G>C on transcript NM_001042492.3 (MANE Select); coding-DNA position 7550, G replaced by C.
Protein change: p.Arg2517Pro; replaces arginine 2517 with proline.
Molecular consequence: missense variant.
Genome position (GRCh38, 1-based): chr17:31,352,349, G>C. VCF-style: chr17-31352349-G-C. GRCh37 (hg19) VCF-style: chr17-29679367-G-C.
Other names: c.7487G>C, p.Arg2496Pro (NM_000267.4); short protein forms R2496P, R2517P.
Identifiers: ClinVar variation 2899804 (VCV002899804.3), dbSNP rs755260088, ClinGen allele CA8487608.

ClinVar aggregate classification (germline): Uncertain significance (1 of 4 stars; one submission).

Conditions:
Neurofibromatosis, type 1 (NF1). Also called: VON RECKLINGHAUSEN DISEASE; NEUROFIBROMATOSIS, TYPE I, SOMATIC; Peripheral type neurofibromatosis; Neurofibromatosis, type I. Identifiers: Orphanet 636, MedGen C0027831, MONDO:0018975, OMIM 162200. Disease mechanism: loss of function.

gnomAD v4.1: 5 of 1,614,042 alleles (0.00031%); highest among the groups gnomAD compares: South Asian, 0.0055%; no homozygotes.

Submission:

Labcorp Genetics (formerly Invitae), Labcorp
Classification: Uncertain significance for Neurofibromatosis, type 1. Last evaluated: 2024-12-16. Review status: criteria provided, single submitter. Criteria: Invitae Variant Classification Sherloc (09022015). Collection method: clinical testing. Allele origin: germline.
Comment: This sequence change replaces arginine, which is basic and polar, with proline, which is neutral and non-polar, at codon 2496 of the NF1 protein (p.Arg2496Pro). This variant is present in population databases (rs755260088, gnomAD 0.003%). This variant has not been reported in the literature in individuals affected with NF1-related conditions. ClinVar contains an entry for this variant (Variation ID: 2899804). Invitae Evidence Modeling of protein sequence and biophysical properties (such as structural, functional, and spatial information, amino acid conservation, physicochemical variation, residue mobility, and thermodynamic stability) has been performed for this missense variant. However, the output from this modeling did not meet the statistical confidence thresholds required to predict the impact of this variant on NF1 protein function. In summary, the available evidence is currently insufficient to determine the role of this variant in disease. Therefore, it has been classified as a Variant of Uncertain Significance.